The following is an entry in ClinVar:

ClinVar aggregate classification (germline): Uncertain significance (1 of 4 stars; one submission).

Conditions:
Hereditary cancer-predisposing syndrome. Also called: Tumor predisposition; Hereditary neoplastic syndrome; Neoplastic Syndromes, Hereditary; Hereditary Cancer Syndrome. Identifiers: Orphanet 140162, MedGen C0027672, MeSH D009386, MONDO:0015356.

Submission:

Ambry Genetics
Classification: Uncertain significance for Hereditary cancer-predisposing syndrome. Last evaluated: 2019-05-22. Review status: criteria provided, single submitter. Criteria: Ambry Variant Classification Scheme 2023. Collection method: clinical testing. Allele origin: germline.
Comment: The p.C496S variant (also known as c.1487G>C), located in coding exon 4 of the MSH6 gene, results from a G to C substitution at nucleotide position 1487. The cysteine at codon 496 is replaced by serine, an amino acid with dissimilar properties. This amino acid position is highly conserved in available vertebrate species. In addition, this alteration is predicted to be deleterious by in silico analysis. In addition, the CoDP in silico tool predicts this alteration to have minor impact on molecular function, with a score of 0.362 (Terui H et al. J. Biomed. Sci. 2013 Apr;20:25). Since supporting evidence is limited at this time, the clinical significance of this alteration remains unclear.

NM_000179.3(MSH6):c.1487G>C (p.Cys496Ser)

Gene: MSH6 (mutS homolog 6; plus strand). Cytogenetic location: 2p16.3.
Variant type: single nucleotide variant.
Coding change: c.1487G>C on transcript NM_000179.3 (MANE Select); coding-DNA position 1487, G replaced by C.
Protein change: p.Cys496Ser; replaces cysteine 496 with serine.
Molecular consequence: missense variant.
Genome position (GRCh38, 1-based): chr2:47,799,470, G>C. VCF-style: chr2-47799470-G-C. GRCh37 (hg19) VCF-style: chr2-48026609-G-C.
Other names: c.1097G>C, p.Cys366Ser (NM_001281492.2); c.581G>C, p.Cys194Ser (NM_001281493.2, NM_001281494.2); short protein forms C194S, C496S, C366S.
Identifiers: ClinVar variation 819349 (VCV000819349.4), dbSNP rs764593111, ClinGen allele CA346746071.